The following is an entry in ClinVar:

NM_020831.6(MRTFA):c.1610C>T (p.Ala537Val)

Gene: MRTFA (myocardin related transcription factor A; minus strand). Cytogenetic location: 22q13.1.
Variant type: single nucleotide variant.
Coding change: c.1610C>T on transcript NM_020831.6 (MANE Select); coding-DNA position 1610, C replaced by T.
Protein change: p.Ala537Val; replaces alanine 537 with valine.
Molecular consequence: missense variant.
Genome position (GRCh38, 1-based): chr22:40,419,128, G>A on the plus strand (C>T on the coding strand, the complement: MRTFA is on the minus strand). VCF-style: chr22-40419128-G-A. GRCh37 (hg19) VCF-style: chr22-40815132-G-A.
Other names: c.1310C>T (NM_020831.3); c.1310C>T, p.Ala437Val (NM_001282660.2); c.1460C>T, p.Ala487Val (NM_001282661.3); c.1610C>T, p.Ala537Val (NM_001282662.3); c.1415C>T, p.Ala472Val (NM_001318139.2); short protein forms A437V, A472V, A487V, A537V.
Identifiers: ClinVar variation 2413257 (VCV002413257.7), dbSNP rs1388756353, ClinGen allele CA411661702.
Genomic context (GRCh38, chr22:40,419,128, plus strand): 5'-GGGGTGGGAGACACGGGGGGCGTGGAGCCCGTGCTGCCAAACTTCACCACCCCACTGCTG[G>A]CCACCGTGGCCACCACCACCTCAGCTGGAGCCAGGCCTGCTGCCACCAGGGCTGGCCCCG-3'
Protein context (NP_065882.2, residues 527-547): APAEVVVATV[Ala537Val]SSGVVKFGST

ClinVar aggregate classification (germline): Uncertain significance. Review status: criteria provided, multiple submitters, no conflicts (2 of 4 stars). 2 submissions from 2 submitters: Uncertain significance (2). Last evaluated 2025-08-30.

Allele frequency attached by ClinVar (database versions not stated): gnomAD 0.00001; gnomAD exomes 0.00001; TOPMed 0.00001.
gnomAD v4.1: 9 of 1,586,748 alleles (0.00057%); highest among the groups gnomAD compares: Admixed American, 0.0018%; no homozygotes.

Submissions (2):

Ambry Genetics
Classification: Uncertain significance. Last evaluated: 2025-08-30. Review status: criteria provided, single submitter. Criteria: Ambry Variant Classification Scheme 2023. Collection method: clinical testing. Allele origin: germline.

Labcorp Genetics (formerly Invitae), Labcorp
Classification: Uncertain significance. Last evaluated: 2022-10-13. Review status: criteria provided, single submitter. Criteria: Invitae Variant Classification Sherloc (09022015). Collection method: clinical testing. Allele origin: germline.
Comment: In summary, the available evidence is currently insufficient to determine the role of this variant in disease. Therefore, it has been classified as a Variant of Uncertain Significance. Algorithms developed to predict the effect of missense changes on protein structure and function (SIFT, PolyPhen-2, Align-GVGD) all suggest that this variant is likely to be tolerated. This variant has not been reported in the literature in individuals affected with MKL1-related conditions. The frequency data for this variant in the population databases is considered unreliable, as metrics indicate poor data quality at this position in the gnomAD database. This sequence change replaces alanine, which is neutral and non-polar, with valine, which is neutral and non-polar, at codon 437 of the MKL1 protein (p.Ala437Val).